The following is an entry in ClinVar:

NM_004035.7(ACOX1):c.*633G>C

Gene: ACOX1 (acyl-CoA oxidase 1; minus strand). Cytogenetic location: 17q25.1.
Variant type: single nucleotide variant.
Coding change: c.*633G>C on transcript NM_004035.7 (MANE Select); 633 bases downstream of the stop codon, G replaced by C.
Molecular consequence: 3 prime UTR variant.
Genome position (GRCh38, 1-based): chr17:75,946,115, C>G on the plus strand (G>C on the coding strand, the complement: ACOX1 is on the minus strand). VCF-style: chr17-75946115-C-G. GRCh37 (hg19) VCF-style: chr17-73942196-C-G.
Other names: c.*633G>C (NM_001185039.2, NM_007292.6).
Identifiers: ClinVar variation 325365 (VCV000325365.6), dbSNP rs71382188, ClinGen allele CA10651042.

ClinVar aggregate classification (germline): Benign. Review status: criteria provided, multiple submitters, no conflicts (2 of 4 stars). 2 submissions from 2 submitters: Benign (2). Last evaluated 2018-01-13.

Conditions:
Acyl-CoA oxidase deficiency. Also called: STRAIGHT-CHAIN ACYL-CoA OXIDASE DEFICIENCY; Pseudoneonatal adrenoleukodystrophy; Peroxisomal acyl-CoA oxidase deficiency. Identifiers: Orphanet 2971, MedGen C1849678, MONDO:0009919, OMIM 264470. Disease mechanism: loss of function.

Allele frequency attached by ClinVar (database versions not stated): 1000 Genomes Project 0.02656; 1000 Genomes Project 30x 0.02748; TOPMed 0.04465; gnomAD 0.05221 and 0.05233; gnomAD exomes 0.06035.
gnomAD v4.1: 8,285 of 158,136 alleles (5.2%); highest among the groups gnomAD compares: Non-Finnish European, 7.3%; 318 homozygotes.

Submissions (2):

Illumina Laboratory Services, Illumina
Classification: Benign for Acyl-CoA oxidase deficiency. Last evaluated: 2018-01-13. Review status: criteria provided, single submitter. Criteria: ICSL Variant Classification Criteria 13 December 2019. Collection method: clinical testing. Allele origin: germline.
Comment: This variant was observed in the ICSL laboratory as part of a predisposition screen in an ostensibly healthy population. It had not been previously curated by ICSL or reported in the Human Gene Mutation Database (HGMD: prior to June 1st, 2018), and was therefore a candidate for classification through an automated scoring system. Utilizing variant allele frequency, disease prevalence and penetrance estimates, and inheritance mode, an automated score was calculated to assess if this variant is too frequent to cause the disease. Based on the score and internal cut-off values, a variant classified as benign is not then subjected to further curation. The score for this variant resulted in a classification of benign for this disease.

Breakthrough Genomics
Classification: Benign. Review status: criteria provided, single submitter. Criteria: ACMG Guidelines, 2015. Collection method: not provided. Allele origin: germline. Inheritance: Autosomal recessive inheritance. Affected: yes.